The following is an entry in ClinVar:

ClinVar aggregate classification (germline): Pathogenic/Likely pathogenic. Review status: criteria provided, multiple submitters, no conflicts (2 of 4 stars). 2 submissions from 2 submitters: Pathogenic (1); Likely pathogenic (1). Last evaluated 2025-11-18.

Conditions:
Medium-chain acyl-coenzyme A dehydrogenase deficiency (ACADMD). Also called: MCADH DEFICIENCY; MCADD; ACADM DEFICIENCY; CARNITINE DEFICIENCY SECONDARY TO MEDIUM-CHAIN ACYL-CoA DEHYDROGENASE DEFICIENCY; MCAD Deficiency; Medium chain acyl-CoA dehydrogenase deficiency. Identifiers: Orphanet 42, MedGen C0220710, MONDO:0008721, OMIM 201450.

Submissions (2):

Labcorp Genetics (formerly Invitae), Labcorp
Classification: Pathogenic for Medium-chain acyl-coenzyme A dehydrogenase deficiency. Last evaluated: 2025-11-18. Review status: criteria provided, single submitter. Criteria: Invitae Variant Classification Sherloc (09022015). Collection method: clinical testing. Allele origin: germline.
Comment: This sequence change is expected to alter the c-terminus of the ACADM protein (p.Asp417Alafs*14). While this is not anticipated to result in nonsense mediated decay, it is expected to disrupt the last 5 amino acid(s) of the ACADM protein and extend the protein by 8 additional amino acid residues. This variant is not present in population databases (gnomAD no frequency). This variant has not been reported in the literature in individuals affected with ACADM-related conditions. ClinVar contains an entry for this variant (Variation ID: 2679916). Experimental studies and prediction algorithms are not available or were not evaluated, and the functional significance of this variant is currently unknown. This variant disrupts a region of the ACADM protein in which other variant(s) (p.Lys418Arg) have been determined to be pathogenic (internal data). This suggests that this is a clinically significant region of the protein, and that variants that disrupt it are likely to be disease-causing. For these reasons, this variant has been classified as Pathogenic.

Baylor Genetics
Classification: Likely pathogenic for Medium-chain acyl-coenzyme A dehydrogenase deficiency. Last evaluated: 2023-05-24. Review status: criteria provided, single submitter. Criteria: ACMG Guidelines, 2015. Collection method: clinical testing. Allele origin: unknown.

NM_000016.6(ACADM):c.1250_1256del (p.Asp417fs)

Gene: ACADM (acyl-CoA dehydrogenase medium chain; plus strand). Cytogenetic location: 1p31.1.
Variant type: Deletion.
Coding change: c.1250_1256del on transcript NM_000016.6 (MANE Select); coding-DNA positions 1250 to 1256, 7 bases deleted (ACAAGTA; older notation c.1250_1256delACAAGTA).
Protein change: p.Asp417fs; shifts the reading frame from aspartic acid 417.
Molecular consequence: frameshift variant.
Genome position (GRCh38, 1-based): chr1:75,762,747-75,762,753, ACAAGTA deleted. VCF-style (leftmost placement, unchanged base first): chr1-75762746-GACAAGTA-G. GRCh37 (hg19) VCF-style: chr1-76228431-GACAAGTA-G.
Other names: c.1262_1268del, p.Asp421fs (NM_001127328.3); c.1142_1148del, p.Asp381fs (NM_001286042.2); c.1349_1355del, p.Asp450fs (NM_001286043.2); c.683_689del, p.Asp228fs (NM_001286044.2); short protein forms D228fs, D381fs, D417fs, D421fs, D450fs.
Identifiers: ClinVar variation 2679916 (VCV002679916.2), dbSNP rs2525706936, ClinGen allele CA2574410411.